The following is an entry in ClinVar:

ClinVar aggregate classification (germline): Uncertain significance (1 of 4 stars; one submission).

Conditions:
Early-infantile DEE. Also called: Early infantile epileptic encephalopathy; Ohtahara syndrome; Early infantile epileptic encephalopathy with suppression bursts. Identifiers: Orphanet 1934, MedGen C0393706, MONDO:0800491.

Allele frequency attached by ClinVar (database versions not stated): gnomAD exomes below 0.00001; TOPMed 0.00002.
gnomAD v4.1: 2 of 1,612,332 alleles (0.00012%); highest among the groups gnomAD compares: African/African-American, 0.0013%; no homozygotes.

Submission:

Labcorp Genetics (formerly Invitae), Labcorp
Classification: Uncertain significance for Early-infantile DEE. Last evaluated: 2025-05-07. Review status: criteria provided, single submitter. Criteria: Invitae Variant Classification Sherloc (09022015). Collection method: clinical testing. Allele origin: germline.
Comment: This sequence change replaces threonine, which is neutral and polar, with alanine, which is neutral and non-polar, at codon 77 of the KCNH5 protein (p.Thr77Ala). This variant is not present in population databases (gnomAD no frequency). This variant has not been reported in the literature in individuals affected with KCNH5-related conditions. ClinVar contains an entry for this variant (Variation ID: 1520523). Invitae Evidence Modeling of protein sequence and biophysical properties (such as structural, functional, and spatial information, amino acid conservation, physicochemical variation, residue mobility, and thermodynamic stability) indicates that this missense variant is not expected to disrupt KCNH5 protein function with a negative predictive value of 80%. In summary, the available evidence is currently insufficient to determine the role of this variant in disease. Therefore, it has been classified as a Variant of Uncertain Significance.

NM_139318.5(KCNH5):c.229A>G (p.Thr77Ala)

Gene: KCNH5 (potassium voltage-gated channel subfamily H member 5; minus strand). Cytogenetic location: 14q23.2.
Variant type: single nucleotide variant.
Coding change: c.229A>G on transcript NM_139318.5 (MANE Select); coding-DNA position 229, A replaced by G.
Protein change: p.Thr77Ala; replaces threonine 77 with alanine.
Molecular consequence: missense variant.
Genome position (GRCh38, 1-based): chr14:63,006,441, T>C on the plus strand (A>G on the coding strand, the complement: KCNH5 is on the minus strand). VCF-style: chr14-63006441-T-C. GRCh37 (hg19) VCF-style: chr14-63473159-T-C.
Other names: c.229A>G, p.Thr77Ala (NM_172375.3); short protein forms T77A.
Identifiers: ClinVar variation 1520523 (VCV001520523.7), dbSNP rs1365308454, ClinGen allele CA390106163.